The following is an entry in ClinVar:

ClinVar aggregate classification (germline): Uncertain significance. Review status: criteria provided, multiple submitters, no conflicts (2 of 4 stars). 2 submissions from 2 submitters: Uncertain significance (2). Last evaluated 2026-01-23.

Allele frequency attached by ClinVar (database versions not stated): gnomAD exomes below 0.00001; TOPMed 0.00002; gnomAD 0.00003.
gnomAD v4.1: 11 of 1,580,654 alleles (0.0007%); highest among the groups gnomAD compares: African/African-American, 0.0081%; no homozygotes.

Submissions (2):

Women's Health and Genetics/Laboratory Corporation of America, LabCorp
Classification: Uncertain significance. Last evaluated: 2026-01-23. Review status: criteria provided, single submitter. Criteria: LabCorp Variant Classification Summary - May 2015. Collection method: clinical testing. Allele origin: germline.

Labcorp Genetics (formerly Invitae), Labcorp
Classification: Uncertain significance. Last evaluated: 2025-07-30. Review status: criteria provided, single submitter. Criteria: Invitae Variant Classification Sherloc (09022015). Collection method: clinical testing. Allele origin: germline.
Comment: This sequence change replaces aspartic acid, which is acidic and polar, with asparagine, which is neutral and polar, at codon 236 of the PSMG2 protein (p.Asp236Asn). This variant is present in population databases (no rsID available, gnomAD 0.02%). This variant has not been reported in the literature in individuals affected with PSMG2-related conditions. ClinVar contains an entry for this variant (Variation ID: 2415676). An algorithm developed to predict the effect of missense changes on protein structure and function outputs the following: PolyPhen-2: "Benign". The asparagine amino acid residue is found in multiple mammalian species, which suggests that this missense change does not adversely affect protein function. Algorithms developed to predict the effect of sequence changes on RNA splicing suggest that this variant may disrupt the consensus splice site. In summary, the available evidence is currently insufficient to determine the role of this variant in disease. Therefore, it has been classified as a Variant of Uncertain Significance.

NM_020232.5(PSMG2):c.706G>A (p.Asp236Asn)

Gene: PSMG2 (proteasome assembly chaperone 2; plus strand). Cytogenetic location: 18p11.21.
Variant type: single nucleotide variant.
Coding change: c.706G>A on transcript NM_020232.5 (MANE Select); coding-DNA position 706, G replaced by A.
Protein change: p.Asp236Asn; replaces aspartic acid 236 with asparagine.
Molecular consequence: missense variant.
Genome position (GRCh38, 1-based): chr18:12,725,442, G>A. VCF-style: chr18-12725442-G-A. GRCh37 (hg19) VCF-style: chr18-12725441-G-A.
Other names: c.613G>A, p.Asp205Asn (NM_147163.2); short protein forms D205N, D236N.
Identifiers: ClinVar variation 2415676 (VCV002415676.7), dbSNP rs1257030998, ClinGen allele CA401971205.
Genomic context (GRCh38, chr18:12,725,442, plus strand): 5'-AAAAGGAGATTTGATGGTAAAGTTTAAAGATTAAAATATTTTGTTCTTCAATTACAGAGC[G>A]ATGACCCCACAGTATCTGCCTCACGGTGGAAAATACCAAGTTCTTGGAGATTACTCTTTG-3'
Protein context (NP_064617.2, residues 226-246): EWLQILKPLS[Asp236Asn]DPTVSASRWK